The following is an entry in ClinVar:

ClinVar aggregate classification (germline): Likely pathogenic (1 of 4 stars; one submission).

Conditions:
Hereditary cancer-predisposing syndrome. Also called: Neoplastic Syndromes, Hereditary; Tumor predisposition; Hereditary Cancer Syndrome; Hereditary neoplastic syndrome. Identifiers: Orphanet 140162, MedGen C0027672, MeSH D009386, MONDO:0015356.

Submission:

Ambry Genetics
Classification: Likely pathogenic for Hereditary cancer-predisposing syndrome. Last evaluated: 2025-12-11. Review status: criteria provided, single submitter. Criteria: Ambry Variant Classification Scheme 2023. Collection method: clinical testing. Allele origin: germline.
Comment: The c.1595-1G>C intronic variant results from a G to C substitution one nucleotide upstream from coding exon 13 of the POT1 gene. This variant is considered to be rare based on population cohorts in the Genome Aggregation Database (gnomAD). This nucleotide position is highly conserved in available vertebrate species. In silico splice site analysis predicts that this alteration will weaken the native splice acceptor site. Alterations that disrupt the canonical splice site are expected to cause aberrant splicing, resulting in an abnormal protein or a transcript that is subject to nonsense-mediated mRNA decay. As such, this alteration is classified as likely pathogenic.

NM_015450.3(POT1):c.1595-1G>C

Gene: POT1 (protection of telomeres 1; minus strand). Cytogenetic location: 7q31.33.
Variant type: single nucleotide variant.
Coding change: c.1595-1G>C on transcript NM_015450.3 (MANE Select); the canonical splice acceptor site of the intron before coding-DNA position 1595, G replaced by C.
Molecular consequence: splice acceptor variant.
Genome position (GRCh38, 1-based): chr7:124,827,306, C>G on the plus strand (G>C on the coding strand, the complement: POT1 is on the minus strand). VCF-style: chr7-124827306-C-G. GRCh37 (hg19) VCF-style: chr7-124467360-C-G.
Other names: c.1202-1G>C (NM_001042594.2).
Identifiers: ClinVar variation 4673883 (VCV004673883.1).